The following is an entry in ClinVar:

NM_017780.4(CHD7):c.6232C>A (p.Leu2078Ile)

Gene: CHD7 (chromodomain helicase DNA binding protein 7; plus strand). Cytogenetic location: 8q12.2.
Variant type: single nucleotide variant.
Coding change: c.6232C>A on transcript NM_017780.4 (MANE Select); coding-DNA position 6232, C replaced by A.
Protein change: p.Leu2078Ile; replaces leucine 2078 with isoleucine.
Molecular consequence: missense variant. On other transcripts: intron variant (1).
Genome position (GRCh38, 1-based): chr8:60,852,957, C>A. VCF-style: chr8-60852957-C-A. GRCh37 (hg19) VCF-style: chr8-61765516-C-A.
Other names: c.1717-9272C>A (NM_001316690.1); short protein forms L2078I.
Identifiers: ClinVar variation 4532535 (VCV004532535.1).

ClinVar aggregate classification (germline): Uncertain significance (1 of 4 stars; one submission).

Submission:

GeneDx
Classification: Uncertain significance. Last evaluated: 2025-05-27. Review status: criteria provided, single submitter. Criteria: GeneDx Variant Classification Process June 2021. Collection method: clinical testing. Allele origin: germline. Affected: yes.
Comment: Not observed at significant frequency in large population cohorts (gnomAD); In silico analysis suggests that this missense variant does not alter protein structure/function; Has not been previously published as pathogenic or benign to our knowledge